The following is an entry in ClinVar:

ClinVar aggregate classification (germline): Uncertain significance. Review status: criteria provided, multiple submitters, no conflicts (2 of 4 stars). 4 submissions from 4 submitters: Uncertain significance (4). Last evaluated 2024-10-28.

Conditions:
Combined immunodeficiency due to LRBA deficiency. Also called: Common variable immunodeficiency 8, with autoimmunity. Identifiers: Orphanet 445018, MedGen C3553512, MONDO:0013863, OMIM 614700.

Allele frequency attached by ClinVar (database versions not stated): gnomAD exomes below 0.00001 and 0.00001; ExAC 0.00002; gnomAD 0.00002; TOPMed 0.00003.
gnomAD v4.1: 20 of 1,604,930 alleles (0.0012%); highest among the groups gnomAD compares: Non-Finnish European, 0.0016%; no homozygotes.

Submissions (4):

Labcorp Genetics (formerly Invitae), Labcorp
Classification: Uncertain significance for Combined immunodeficiency due to LRBA deficiency. Last evaluated: 2024-10-28. Review status: criteria provided, single submitter. Criteria: Invitae Variant Classification Sherloc (09022015). Collection method: clinical testing. Allele origin: germline.
Comment: This sequence change replaces serine, which is neutral and polar, with proline, which is neutral and non-polar, at codon 1277 of the LRBA protein (p.Ser1277Pro). This variant is present in population databases (rs765914410, gnomAD 0.002%). This variant has not been reported in the literature in individuals affected with LRBA-related conditions. ClinVar contains an entry for this variant (Variation ID: 1006852). An algorithm developed to predict the effect of missense changes on protein structure and function outputs the following: PolyPhen-2: "Benign". The proline amino acid residue is found in multiple mammalian species, which suggests that this missense change does not adversely affect protein function. In summary, the available evidence is currently insufficient to determine the role of this variant in disease. Therefore, it has been classified as a Variant of Uncertain Significance.

GeneDx
Classification: Uncertain significance. Last evaluated: 2023-11-14. Review status: criteria provided, single submitter. Criteria: GeneDx Variant Classification Process June 2021. Collection method: clinical testing. Allele origin: germline. Affected: yes.
Comment: Not observed at significant frequency in large population cohorts (gnomAD); In silico analysis supports that this missense variant does not alter protein structure/function; Has not been previously published as pathogenic or benign to our knowledge

Neuberg Centre For Genomic Medicine, NCGM
Classification: Uncertain significance for Combined immunodeficiency due to LRBA deficiency. Last evaluated: 2023-07-22. Review status: criteria provided, single submitter. Criteria: ACMG Guidelines, 2015. Collection method: clinical testing. Allele origin: germline. Inheritance: Autosomal recessive inheritance. Affected: yes.
Comment: The missense variant c.3829T>Cp.Ser1277Pro in LRBA gene has not been reported previously as a pathogenic variant nor as a benign variant, to our knowledge. The observed variant has allele frequency of 0.0004% in gnomAD exomes database. This variant has been submitted to the ClinVar database as Uncertain Significance. Multiple lines of computational evidence Polyphen - Benign, SIFT - Tolerated and MutationTaster - Polymorphism predict no damaging effect on protein structure and function for this variant. The amino acid change p.Ser1277Pro in LRBA is predicted as conserved by GERP++ and PhyloP across 100 vertebrates. The amino acid Ser at position 1277 is changed to a Pro changing protein sequence and it might alter its composition and physico-chemical properties. For these reasons, this variant has been classified as uncertain Significance VUS. In the absence of another reportable variant in LRBA gene, the molecular diagnosis is not confirmed.

Blueprint Genetics
Classification: Uncertain significance. Last evaluated: 2022-09-19. Review status: criteria provided, single submitter. Criteria: ACMG Guidelines, 2015. Collection method: clinical testing. Allele origin: germline.

NM_001364905.1(LRBA):c.3829T>C (p.Ser1277Pro)

Gene: LRBA (LPS responsive beige-like anchor protein; minus strand). Cytogenetic location: 4q31.3.
Variant type: single nucleotide variant.
Coding change: c.3829T>C on transcript NM_001364905.1 (MANE Select); coding-DNA position 3829, T replaced by C.
Protein change: p.Ser1277Pro; replaces serine 1277 with proline.
Molecular consequence: missense variant.
Genome position (GRCh38, 1-based): chr4:150,850,899, A>G on the plus strand (T>C on the coding strand, the complement: LRBA is on the minus strand). VCF-style: chr4-150850899-A-G. GRCh37 (hg19) VCF-style: chr4-151772051-A-G.
Other names: c.3829T>C, p.Ser1277Pro (NM_001199282.3, NM_001367550.1, NM_006726.5); short protein forms S1277P.
Identifiers: ClinVar variation 1006852 (VCV001006852.9), dbSNP rs765914410, ClinGen allele CA3102968.